The following is an entry in ClinVar:

NM_004655.4(AXIN2):c.1757C>T (p.Thr586Met)

Gene: AXIN2 (axin 2; minus strand). Cytogenetic location: 17q24.1.
Variant type: single nucleotide variant.
Coding change: c.1757C>T on transcript NM_004655.4 (MANE Select); coding-DNA position 1757, C replaced by T.
Protein change: p.Thr586Met; replaces threonine 586 with methionine.
Molecular consequence: missense variant. On other transcripts: intron variant (1).
Genome position (GRCh38, 1-based): chr17:65,537,019, G>A on the plus strand (C>T on the coding strand, the complement: AXIN2 is on the minus strand). VCF-style: chr17-65537019-G-A. GRCh37 (hg19) VCF-style: chr17-63533137-G-A.
Other names: c.1712+305C>T (NM_001363813.1); short protein forms T586M.
Identifiers: ClinVar variation 820023 (VCV000820023.13), dbSNP rs1598097941, ClinGen allele CA400676678.

ClinVar aggregate classification (germline): Conflicting classifications of pathogenicity. Review status: criteria provided, conflicting classifications (1 of 4 stars). 2 submissions from 2 submitters: Uncertain significance (1); Likely benign (1). Last evaluated 2024-10-06.

Conditions:
Oligodontia-cancer predisposition syndrome. Also called: TOOTH AGENESIS-COLORECTAL CANCER SYNDROME. Identifiers: Orphanet 300576, MedGen C1837750, MONDO:0012075, OMIM 608615. Disease mechanism: loss of function.
Hereditary cancer-predisposing syndrome. Also called: Neoplastic Syndromes, Hereditary; Tumor predisposition; Hereditary Cancer Syndrome; Hereditary neoplastic syndrome. Identifiers: Orphanet 140162, MedGen C0027672, MeSH D009386, MONDO:0015356.

gnomAD v4.1: 3 of 1,610,462 alleles (0.00019%); highest among the groups gnomAD compares: East Asian, 0.0045%; no homozygotes.

Submissions (2):

Labcorp Genetics (formerly Invitae), Labcorp
Classification: Uncertain significance for Oligodontia-cancer predisposition syndrome. Last evaluated: 2024-10-06. Review status: criteria provided, single submitter. Criteria: Invitae Variant Classification Sherloc (09022015). Collection method: clinical testing. Allele origin: germline.
Comment: This sequence change replaces threonine, which is neutral and polar, with methionine, which is neutral and non-polar, at codon 586 of the AXIN2 protein (p.Thr586Met). This variant is not present in population databases (gnomAD no frequency). This variant has not been reported in the literature in individuals affected with AXIN2-related conditions. ClinVar contains an entry for this variant (Variation ID: 820023). Invitae Evidence Modeling of protein sequence and biophysical properties (such as structural, functional, and spatial information, amino acid conservation, physicochemical variation, residue mobility, and thermodynamic stability) indicates that this missense variant is not expected to disrupt AXIN2 protein function with a negative predictive value of 80%. In summary, the available evidence is currently insufficient to determine the role of this variant in disease. Therefore, it has been classified as a Variant of Uncertain Significance.

Ambry Genetics
Classification: Likely benign for Hereditary cancer-predisposing syndrome. Last evaluated: 2024-01-05. Review status: criteria provided, single submitter. Criteria: Ambry Variant Classification Scheme 2023. Collection method: clinical testing. Allele origin: germline.